The following is an entry in ClinVar:

ClinVar aggregate classification (germline): Pathogenic (1 of 4 stars; one submission).

Conditions:
Marfan syndrome (MFS). Also called: MARFAN SYNDROME, TYPE I; Marfan syndrome type 1; Marfan's syndrome; Marfan syndrome, classic; FBN1-Related Marfan Syndrome. Identifiers: Orphanet 284963, Orphanet 558, MedGen C0024796, MONDO:0007947, OMIM 154700.
Familial thoracic aortic aneurysm and aortic dissection (TAAD). Also called: Thoracic aortic aneurysms and dissections. Identifiers: Orphanet 91387, MedGen C4707243, MONDO:0019625.

Submission:

Labcorp Genetics (formerly Invitae), Labcorp
Classification: Pathogenic for Marfan syndrome; Familial thoracic aortic aneurysm and aortic dissection. Last evaluated: 2021-06-28. Review status: criteria provided, single submitter. Criteria: Invitae Variant Classification Sherloc (09022015). Collection method: clinical testing. Allele origin: germline.
Comment: This variant has not been reported in the literature in individuals affected with FBN1-related conditions. This sequence change creates a premature translational stop signal (p.Asn2603Thrfs*4) in the FBN1 gene. It is expected to result in an absent or disrupted protein product. Loss-of-function variants in FBN1 are known to be pathogenic (PMID: 17657824, 19293843). This variant is not present in population databases (ExAC no frequency). For these reasons, this variant has been classified as Pathogenic.

Literature cited by the submitters: PubMed 17657824; PubMed 19293843.

NM_000138.5(FBN1):c.7808_7809del (p.Asn2603fs)

Gene: FBN1 (fibrillin 1; minus strand). Cytogenetic location: 15q21.1.
Variant type: Deletion.
Coding change: c.7808_7809del on transcript NM_000138.5 (MANE Select); coding-DNA positions 7808 to 7809, 2 bases deleted (AC; older notation c.7808_7809delAC).
Protein change: p.Asn2603fs; shifts the reading frame from asparagine 2603.
Molecular consequence: frameshift variant.
Genome position (GRCh38, 1-based): chr15:48,420,697-48,420,698, GT deleted on the plus strand (AC on the coding strand, the reverse complement: FBN1 is on the minus strand). VCF-style (leftmost placement, unchanged base first): chr15-48420696-GGT-G. GRCh37 (hg19) VCF-style: chr15-48712893-GGT-G.
Other names: short protein forms N2603fs.
Identifiers: ClinVar variation 1440206 (VCV001440206.6), dbSNP rs2141220616, ClinGen allele CA2573150962.
Genomic context (GRCh38, chr15:48,420,696, plus strand): 5'-TTCATAGGACCTGATAGCCATGCATCTTGAGAGTGAGGAAAAGTTACTTGCCAACACACT[GGT>G]TCCACTGGTAGTGCTGGAGGTAGCCCTGGGGGCAGCTGCACCTGTAGCCCCCAATGATGT-3'